The following is an entry in ClinVar:

NM_004360.5(CDH1):c.2644G>C (p.Asp882His)

Gene: CDH1 (cadherin 1; plus strand). Cytogenetic location: 16q22.1.
Variant type: single nucleotide variant.
Coding change: c.2644G>C on transcript NM_004360.5 (MANE Select); coding-DNA position 2644, G replaced by C.
Protein change: p.Asp882His; replaces aspartic acid 882 with histidine.
Molecular consequence: missense variant.
Genome position (GRCh38, 1-based): chr16:68,833,494, G>C. VCF-style: chr16-68833494-G-C. GRCh37 (hg19) VCF-style: chr16-68867397-G-C.
Other names: c.2461G>C, p.Asp821His (NM_001317184.2); c.1096G>C, p.Asp366His (NM_001317185.2); c.679G>C, p.Asp227His (NM_001317186.2); short protein forms D821H, D882H, D366H, D227H.
Identifiers: ClinVar variation 2871893 (VCV002871893.4), dbSNP rs200104963, ClinGen allele CA396472947.

ClinVar aggregate classification (germline): Uncertain significance. Review status: criteria provided, multiple submitters, no conflicts (2 of 4 stars). 2 submissions from 2 submitters: Uncertain significance (2). Last evaluated 2025-05-14.

Conditions:
Hereditary cancer-predisposing syndrome. Also called: Hereditary Cancer Syndrome; Hereditary neoplastic syndrome; Neoplastic Syndromes, Hereditary; Tumor predisposition. Identifiers: Orphanet 140162, MedGen C0027672, MeSH D009386, MONDO:0015356.
Hereditary diffuse gastric adenocarcinoma (HDGC). Also called: DIFFUSE GASTRIC AND LOBULAR BREAST CANCER SYNDROME. Identifiers: Orphanet 26106, MedGen C1708349, MONDO:0007648, OMIM 137215.

Submissions (2):

Ambry Genetics
Classification: Uncertain significance for Hereditary cancer-predisposing syndrome. Last evaluated: 2025-05-14. Review status: criteria provided, single submitter. Criteria: Ambry Variant Classification Scheme 2023. Collection method: clinical testing. Allele origin: germline.
Comment: The p.D882H variant (also known as c.2644G>C), located in coding exon 16 of the CDH1 gene, results from a G to C substitution at nucleotide position 2644. The aspartic acid at codon 882 is replaced by histidine, an amino acid with similar properties. This amino acid position is highly conserved in available vertebrate species. In addition, the in silico prediction for this alteration is inconclusive. Based on the available evidence, the clinical significance of this variant remains unclear.

Labcorp Genetics (formerly Invitae), Labcorp
Classification: Uncertain significance for Hereditary diffuse gastric adenocarcinoma. Last evaluated: 2023-08-28. Review status: criteria provided, single submitter. Criteria: Invitae Variant Classification Sherloc (09022015). Collection method: clinical testing. Allele origin: germline.
Comment: This sequence change replaces aspartic acid, which is acidic and polar, with histidine, which is basic and polar, at codon 882 of the CDH1 protein (p.Asp882His). In summary, the available evidence is currently insufficient to determine the role of this variant in disease. Therefore, it has been classified as a Variant of Uncertain Significance. An algorithm developed to predict the effect of missense changes on protein structure and function (PolyPhen-2) suggests that this variant is likely to be disruptive. This variant has not been reported in the literature in individuals affected with CDH1-related conditions. This variant is not present in population databases (gnomAD no frequency).